The following is an entry in ClinVar:

ClinVar aggregate classification (germline): Uncertain significance (1 of 4 stars; one submission).

Conditions:
EGFR-related lung cancer (EGFR). Identifiers: MedGen CN130014.

Submission:

Labcorp Genetics (formerly Invitae), Labcorp
Classification: Uncertain significance for EGFR-related lung cancer. Last evaluated: 2022-03-18. Review status: criteria provided, single submitter. Criteria: Invitae Variant Classification Sherloc (09022015). Collection method: clinical testing. Allele origin: germline.
Comment: This sequence change falls in intron 7 of the EGFR gene. It does not directly change the encoded amino acid sequence of the EGFR protein. It affects a nucleotide within the consensus splice site. This variant is not present in population databases (gnomAD no frequency). This variant has not been reported in the literature in individuals affected with EGFR-related conditions. Variants that disrupt the consensus splice site are a relatively common cause of aberrant splicing (PMID: 17576681, 9536098). Algorithms developed to predict the effect of sequence changes on RNA splicing suggest that this variant may disrupt the consensus splice site. In summary, the available evidence is currently insufficient to determine the role of this variant in disease. Therefore, it has been classified as a Variant of Uncertain Significance.

Literature cited by the submitters: PubMed 17576681; PubMed 9536098.

NM_005228.5(EGFR):c.889+6T>C

Gene: EGFR (epidermal growth factor receptor; plus strand). Cytogenetic location: 7p11.2.
Variant type: single nucleotide variant.
Coding change: c.889+6T>C on transcript NM_005228.5 (MANE Select); 6 bases into the intron after coding-DNA position 889, T replaced by C.
Molecular consequence: intron variant.
Genome position (GRCh38, 1-based): chr7:55,154,158, T>C. VCF-style: chr7-55154158-T-C. GRCh37 (hg19) VCF-style: chr7-55221851-T-C.
Other names: c.754+6T>C (NM_001346899.2, NM_001346897.2); c.89-1672T>C (NM_001346941.2); c.889+6T>C (NM_001346898.2, NM_201284.2, NM_201282.2 and 1 more transcripts); c.730+6T>C (NM_001346900.2).
Identifiers: ClinVar variation 2109008 (VCV002109008.4), dbSNP rs2128935213, ClinGen allele CA2580077265.